The following is an entry in ClinVar:

NM_025099.6(CTC1):c.2060+1G>T

Gene: CTC1 (CST telomere replication complex component 1; minus strand). Cytogenetic location: 17p13.1.
Variant type: single nucleotide variant.
Coding change: c.2060+1G>T on transcript NM_025099.6 (MANE Select); the canonical splice donor site of the intron after coding-DNA position 2060, G replaced by T.
Molecular consequence: splice donor variant.
Genome position (GRCh38, 1-based): chr17:8,232,360, C>A on the plus strand (G>T on the coding strand, the complement: CTC1 is on the minus strand). VCF-style: chr17-8232360-C-A. GRCh37 (hg19) VCF-style: chr17-8135678-C-A.
Other names: c.2060+1G>T (NM_001411067.1).
Identifiers: ClinVar variation 4737526 (VCV004737526.1).
Genomic context (GRCh38, chr17:8,232,360, plus strand): 5'-CCTTCCACCAGGCCCTTCCTTCCCCCCAGACTCAAGACAACCATGACCCCAAGGAGCCAA[C>A]CTGGCCTGCTGCTTCTGGATGAAGCCTGGCATGCTCAGCTCCTTCCAGGAAGGGAAGCTG-3'

ClinVar aggregate classification (germline): Likely pathogenic (1 of 4 stars; one submission).

Conditions:
Dyskeratosis congenita. Identifiers: Orphanet 1775, MedGen C0265965, MONDO:0015780.

gnomAD v4.1: 3 of 1,613,604 alleles (0.00019%); highest among the groups gnomAD compares: Non-Finnish European, 0.00025%; no homozygotes.

Submission:

Labcorp Genetics (formerly Invitae), Labcorp
Classification: Likely pathogenic for Dyskeratosis congenita. Last evaluated: 2025-12-23. Review status: criteria provided, single submitter. Criteria: Invitae Variant Classification Sherloc (09022015). Collection method: clinical testing. Allele origin: germline.
Comment: This sequence change affects a donor splice site in intron 12 of the CTC1 gene. It is expected to disrupt RNA splicing. Variants that disrupt the donor or acceptor splice site typically lead to a loss of protein function (PMID: 16199547), and loss-of-function variants in CTC1 are known to be pathogenic (PMID: 22267198, 22387016). This variant is not present in population databases (gnomAD no frequency). This variant has not been reported in the literature in individuals affected with CTC1-related conditions. Algorithms developed to predict the effect of sequence changes on RNA splicing suggest that this variant may disrupt the consensus splice site. In summary, the currently available evidence indicates that the variant is pathogenic, but additional data are needed to prove that conclusively. Therefore, this variant has been classified as Likely Pathogenic.

Literature cited by the submitters: PubMed 16199547; PubMed 22267198; PubMed 22387016.